The following is an entry in ClinVar:

ClinVar aggregate classification (germline): Benign/Likely benign. Review status: criteria provided, multiple submitters, no conflicts (2 of 4 stars). 3 submissions from 3 submitters: Benign (1); Likely benign (2). Last evaluated 2025-03-04.

Conditions:
Hereditary cancer-predisposing syndrome. Also called: Neoplastic Syndromes, Hereditary; Hereditary neoplastic syndrome; Tumor predisposition; Hereditary Cancer Syndrome. Identifiers: Orphanet 140162, MedGen C0027672, MeSH D009386, MONDO:0015356.
Birt-Hogg-Dube syndrome. Also called: Birt Hogg Dubé syndrome. Identifiers: Orphanet 122, MedGen C0346010, MONDO:0800444.
Birt-Hogg-Dube syndrome 1 (BHD1). Also called: FIBROFOLLICULOMAS WITH TRICHODISCOMAS AND ACROCHORDONS. Identifiers: Orphanet 122, MedGen CN375946, MONDO:0800445, OMIM 135150.

Allele frequency attached by ClinVar (database versions not stated): gnomAD exomes below 0.00001.
gnomAD v4.1: 2 of 1,614,204 alleles (0.00012%); highest among the groups gnomAD compares: Middle Eastern, 0.033%; no homozygotes.

Submissions (3):

Labcorp Genetics (formerly Invitae), Labcorp
Classification: Likely benign for Birt-Hogg-Dube syndrome. Last evaluated: 2025-03-04. Review status: criteria provided, single submitter. Criteria: Invitae Variant Classification Sherloc (09022015). Collection method: clinical testing. Allele origin: germline.

Myriad Genetics, Inc.
Classification: Benign for Birt-Hogg-Dube syndrome 1. Last evaluated: 2024-10-22. Review status: criteria provided, single submitter. Criteria: Myriad Autosomal Dominant, Autosomal Recessive and X-Linked Classification Criteria (2023). Collection method: clinical testing. Allele origin: unknown.
Comment: This variant is considered benign. This variant is a silent/synonymous amino acid change and it is not expected to impact splicing.

Ambry Genetics
Classification: Likely benign for Hereditary cancer-predisposing syndrome. Last evaluated: 2020-10-08. Review status: criteria provided, single submitter. Criteria: Ambry Variant Classification Scheme 2023. Collection method: clinical testing. Allele origin: germline.

NM_144997.7(FLCN):c.276C>T (p.His92=)

Gene: FLCN (folliculin; minus strand). Cytogenetic location: 17p11.2.
Variant type: single nucleotide variant.
Coding change: c.276C>T on transcript NM_144997.7 (MANE Select); coding-DNA position 276, C replaced by T.
Protein change: p.His92=; no amino-acid change (histidine 92 retained).
Molecular consequence: synonymous variant.
Genome position (GRCh38, 1-based): chr17:17,226,296, G>A on the plus strand (C>T on the coding strand, the complement: FLCN is on the minus strand). VCF-style: chr17-17226296-G-A. GRCh37 (hg19) VCF-style: chr17-17129610-G-A.
Other names: c.276C>T, p.His92= (NM_001353231.2, NM_144606.7, NM_001353230.2 and 1 more transcripts); c.276C>T (LRG_325t1).
Identifiers: ClinVar variation 530013 (VCV000530013.11), dbSNP rs1555610970, ClinGen allele CA498167711.
Genomic context (GRCh38, chr17:17,226,296, plus strand): 5'-GGGGTGCTGGTGGCTGACGTATTTAATGGAGGTCTCTTTATCATGGCTGATATATCCCGG[G>A]TGCCCTGCAGCAAGTGACCGGCAGCCCTGTCCATGAAAAGGAAAAGTAAATCTGTTAGTT-3'
Protein context (NP_659434.2, residues 82-102): CEGCRSLAAG[His92=]PGYISHDKET